The following is an entry in ClinVar:

NM_001104631.2(PDE4D):c.1173A>T (p.Glu391Asp)

Gene: PDE4D (phosphodiesterase 4D; minus strand). Cytogenetic location: 5q11.2.
Variant type: single nucleotide variant.
Coding change: c.1173A>T on transcript NM_001104631.2 (MANE Select); coding-DNA position 1173, A replaced by T.
Protein change: p.Glu391Asp; replaces glutamic acid 391 with aspartic acid.
Molecular consequence: missense variant.
Genome position (GRCh38, 1-based): chr5:58,991,847, T>A on the plus strand (A>T on the coding strand, the complement: PDE4D is on the minus strand). VCF-style: chr5-58991847-T-A. GRCh37 (hg19) VCF-style: chr5-58287674-T-A.
Other names: c.990A>T, p.Glu330Asp (NM_001165899.2, NM_001364599.1); c.981A>T, p.Glu327Asp (NM_001197218.2); c.807A>T, p.Glu269Asp (NM_001197219.2); c.783A>T, p.Glu261Asp (NM_001197220.2); c.267A>T, p.Glu89Asp (NM_001197221.2, NM_001364603.1); c.501A>T, p.Glu167Asp (NM_001197222.2); c.300A>T, p.Glu100Asp (NM_001197223.2); c.960A>T, p.Glu320Asp (NM_001349241.2); and 3 more; short protein forms E100D, E135D, E167D, E255D, E261D, E269D, E281D, E320D.
Identifiers: ClinVar variation 3608419 (VCV003608419.2).

ClinVar aggregate classification (germline): Uncertain significance (1 of 4 stars; one submission).

gnomAD v4.1: 12 of 1,509,444 alleles (0.00079%); highest among the groups gnomAD compares: African/African-American, 0.0085%; no homozygotes.

Submission:

Labcorp Genetics (formerly Invitae), Labcorp
Classification: Uncertain significance. Last evaluated: 2024-06-13. Review status: criteria provided, single submitter. Criteria: Invitae Variant Classification Sherloc (09022015). Collection method: clinical testing. Allele origin: germline.
Comment: This sequence change replaces glutamic acid, which is acidic and polar, with aspartic acid, which is acidic and polar, at codon 391 of the PDE4D protein (p.Glu391Asp). This variant is present in population databases (rs757591581, gnomAD 0.008%). This variant has not been reported in the literature in individuals affected with PDE4D-related conditions. Advanced modeling of protein sequence and biophysical properties (such as structural, functional, and spatial information, amino acid conservation, physicochemical variation, residue mobility, and thermodynamic stability) performed at Invitae indicates that this missense variant is not expected to disrupt PDE4D protein function with a negative predictive value of 80%. In summary, the available evidence is currently insufficient to determine the role of this variant in disease. Therefore, it has been classified as a Variant of Uncertain Significance.